The following is an entry in ClinVar:

ClinVar aggregate classification (germline): Uncertain significance (1 of 4 stars; one submission).

Conditions:
Mendelian susceptibility to mycobacterial diseases due to complete IL12RB1 deficiency. Also called: Immunodeficiency 30; IL12RB1 DEFICIENCY. Identifiers: Orphanet 319552, MedGen C4013949, MONDO:0013955, OMIM 614891.

Submission:

Labcorp Genetics (formerly Invitae), Labcorp
Classification: Uncertain significance for Mendelian susceptibility to mycobacterial diseases due to complete IL12RB1 deficiency. Last evaluated: 2022-04-10. Review status: criteria provided, single submitter. Criteria: Invitae Variant Classification Sherloc (09022015). Collection method: clinical testing. Allele origin: germline.
Comment: In summary, the available evidence is currently insufficient to determine the role of this variant in disease. Therefore, it has been classified as a Variant of Uncertain Significance. Algorithms developed to predict the effect of missense changes on protein structure and function (SIFT, PolyPhen-2, Align-GVGD) all suggest that this variant is likely to be disruptive. This variant has not been reported in the literature in individuals affected with IL12RB1-related conditions. This variant is not present in population databases (gnomAD no frequency). This sequence change replaces proline, which is neutral and non-polar, with leucine, which is neutral and non-polar, at codon 475 of the IL12RB1 protein (p.Pro475Leu).

NM_005535.3(IL12RB1):c.1424C>T (p.Pro475Leu)

Gene: IL12RB1 (interleukin 12 receptor subunit beta 1; minus strand). Cytogenetic location: 19p13.11.
Variant type: single nucleotide variant.
Coding change: c.1424C>T on transcript NM_005535.3 (MANE Select); coding-DNA position 1424, C replaced by T.
Protein change: p.Pro475Leu; replaces proline 475 with leucine.
Molecular consequence: missense variant.
Genome position (GRCh38, 1-based): chr19:18,066,601, G>A on the plus strand (C>T on the coding strand, the complement: IL12RB1 is on the minus strand). VCF-style: chr19-18066601-G-A. GRCh37 (hg19) VCF-style: chr19-18177411-G-A.
Other names: c.1424C>T, p.Pro475Leu (NM_001290023.2); c.1544C>T, p.Pro515Leu (NM_001290024.2); short protein forms P515L, P475L.
Identifiers: ClinVar variation 2124253 (VCV002124253.4), dbSNP rs2515001459, ClinGen allele CA404776643.